The following is an entry in ClinVar:

ClinVar aggregate classification (germline): Likely pathogenic (1 of 4 stars; one submission).

Conditions:
Usher syndrome type 1D (USH1D). Also called: USHER SYNDROME, TYPE ID. Identifiers: Orphanet 231169, Orphanet 886, MedGen C1832845, MONDO:0010984, OMIM 601067.

Submission:

Myriad Genetics, Inc.
Classification: Likely pathogenic for Usher syndrome type 1D. Last evaluated: 2022-03-15. Review status: criteria provided, single submitter. Criteria: Myriad Women's Health Autosomal Recessive and X-Linked Classification Criteria (2021). Collection method: clinical testing. Allele origin: unknown.
Comment: NM_033056.3(PCDH15):c.2176_2188del13(S726Kfs*10) is expected to be pathogenic in the context of PCDH15-related disorders. This variant is predicted to lead to an abnormal or absent protein product due to the creation of a premature termination codon in PCDH15, a gene where loss-of-function variants are known to be pathogenic. Please note: this variant was assessed in the context of healthy population screening.

NM_001384140.1(PCDH15):c.2176_2188del (p.Ser726fs)

Gene: PCDH15 (protocadherin related 15; minus strand). Cytogenetic location: 10q21.1.
Variant type: Deletion.
Coding change: c.2176_2188del on transcript NM_001384140.1 (MANE Select); coding-DNA positions 2176 to 2188, 13 bases deleted (TCTGTGGTGGAAG).
Protein change: p.Ser726fs; shifts the reading frame from serine 726.
Molecular consequence: frameshift variant.
Genome position (GRCh38, 1-based): chr10:54,066,789-54,066,801, CTTCCACCACAGA deleted on the plus strand (TCTGTGGTGGAAG on the coding strand, the reverse complement: PCDH15 is on the minus strand). VCF-style (leftmost placement, unchanged base first): chr10-54066788-TCTTCCACCACAGA-T. GRCh37 (hg19) VCF-style: chr10-55826548-TCTTCCACCACAGA-T.
Other names: c.2191_2203del, p.Ser731fs (NM_001142763.2, NM_001142771.2); c.2176_2188del, p.Ser726fs (NM_001142764.2, NM_001142766.2, NM_001142770.3 and 5 more transcripts); c.1963_1975del, p.Ser655fs (NM_001142765.2); c.2065_2077del, p.Ser689fs (NM_001142767.2); c.2110_2122del, p.Ser704fs (NM_001142768.2, NM_001142773.2, NM_001354404.2); c.2212_2224delTCTGTGGTGGAAG, p.Ser738Lysfs (NM_001142769.4); c.2197_2209del, p.Ser733fs (NM_001354411.2); short protein forms S655fs, S689fs, S704fs, S726fs, S731fs, S733fs, S738fs.
Identifiers: ClinVar variation 1725262 (VCV001725262.2), dbSNP rs2539767058, ClinGen allele CA2580081628.